The following is an entry in ClinVar:

NM_181507.2(HPS5):c.1940T>C (p.Leu647Ser)

Gene: HPS5 (HPS5 biogenesis of lysosomal organelles complex 2 subunit 2; minus strand). Cytogenetic location: 11p15.1.
Variant type: single nucleotide variant.
Coding change: c.1940T>C on transcript NM_181507.2 (MANE Select); coding-DNA position 1940, T replaced by C.
Protein change: p.Leu647Ser; replaces leucine 647 with serine.
Molecular consequence: missense variant.
Genome position (GRCh38, 1-based): chr11:18,291,942, A>G on the plus strand (T>C on the coding strand, the complement: HPS5 is on the minus strand). VCF-style: chr11-18291942-A-G. GRCh37 (hg19) VCF-style: chr11-18313489-A-G.
Other names: c.1598T>C, p.Leu533Ser (NM_007216.4, NM_181508.2); short protein forms L533S, L647S.
Identifiers: ClinVar variation 1351770 (VCV001351770.8), dbSNP rs781166596, ClinGen allele CA5909949.

ClinVar aggregate classification (germline): Uncertain significance. Review status: criteria provided, multiple submitters, no conflicts (2 of 4 stars). 6 submissions from 6 submitters: Uncertain significance (6). Last evaluated 2024-05-08.

Conditions:
Hermansky-Pudlak syndrome 5 (HPS5). Identifiers: Orphanet 231512, Orphanet 79430, MedGen C3888004, MONDO:0013557, OMIM 614074.
Inborn genetic diseases. Identifiers: MedGen C0950123, MeSH D030342.

Allele frequency attached by ClinVar (database versions not stated): ExAC 0.00004; gnomAD exomes 0.00005 and 0.00019; TOPMed 0.00006; gnomAD 0.00007 and 0.00008.
gnomAD v4.1: 285 of 1,607,726 alleles (0.018%); highest among the groups gnomAD compares: Non-Finnish European, 0.024%; no homozygotes.

Submissions (6):

Ambry Genetics
Classification: Uncertain significance for Inborn genetic diseases. Last evaluated: 2024-05-08. Review status: criteria provided, single submitter. Criteria: Ambry Variant Classification Scheme 2023. Collection method: clinical testing. Allele origin: germline.

Labcorp Genetics (formerly Invitae), Labcorp
Classification: Uncertain significance. Last evaluated: 2022-10-18. Review status: criteria provided, single submitter. Criteria: Invitae Variant Classification Sherloc (09022015). Collection method: clinical testing. Allele origin: germline.
Comment: This sequence change replaces leucine, which is neutral and non-polar, with serine, which is neutral and polar, at codon 647 of the HPS5 protein (p.Leu647Ser). This variant is present in population databases (rs781166596, gnomAD 0.01%). This variant has not been reported in the literature in individuals affected with HPS5-related conditions. ClinVar contains an entry for this variant (Variation ID: 1351770). Algorithms developed to predict the effect of missense changes on protein structure and function are either unavailable or do not agree on the potential impact of this missense change (SIFT: "Tolerated"; PolyPhen-2: "Probably Damaging"; Align-GVGD: "Class C0"). In summary, the available evidence is currently insufficient to determine the role of this variant in disease. Therefore, it has been classified as a Variant of Uncertain Significance.

Blueprint Genetics
Classification: Uncertain significance. Last evaluated: 2022-09-08. Review status: criteria provided, single submitter. Criteria: ACMG Guidelines, 2015. Collection method: clinical testing. Allele origin: germline.

Department of Pathology and Laboratory Medicine, Sinai Health System
Classification: Uncertain significance for Hermansky-Pudlak syndrome 5. Last evaluated: 2022-06-08. Review status: criteria provided, single submitter. Criteria: ACMG Guidelines, 2015. Collection method: research. Allele origin: germline.

GeneDx
Classification: Uncertain significance. Last evaluated: 2022-05-26. Review status: criteria provided, single submitter. Criteria: GeneDx Variant Classification Process June 2021. Collection method: clinical testing. Allele origin: germline. Affected: yes.
Comment: In silico analysis supports that this missense variant has a deleterious effect on protein structure/function; Has not been previously published as pathogenic or benign to our knowledge

Fulgent Genetics
Classification: Uncertain significance for Hermansky-Pudlak syndrome 5. Last evaluated: 2022-02-25. Review status: criteria provided, single submitter. Criteria: ACMG Guidelines, 2015. Collection method: clinical testing. Allele origin: unknown.